The following is an entry in ClinVar:

ClinVar aggregate classification (germline): Benign/Likely benign. Review status: criteria provided, multiple submitters, no conflicts (2 of 4 stars). 2 submissions from 2 submitters: Benign (1); Likely benign (1). Last evaluated 2024-08-27.

Conditions:
Juvenile polyposis syndrome (JPS). Identifiers: Orphanet 2929, MedGen C0345893, MONDO:0017380, OMIM 174900.

Submissions (2):

Labcorp Genetics (formerly Invitae), Labcorp
Classification: Likely benign for Juvenile polyposis syndrome. Last evaluated: 2024-08-27. Review status: criteria provided, single submitter. Criteria: Invitae Variant Classification Sherloc (09022015). Collection method: clinical testing. Allele origin: germline.

Myriad Genetics, Inc.
Classification: Benign for Juvenile polyposis syndrome. Last evaluated: 2024-08-01. Review status: criteria provided, single submitter. Criteria: Myriad Autosomal Dominant, Autosomal Recessive and X-Linked Classification Criteria (2023). Collection method: clinical testing. Allele origin: unknown.
Comment: This variant is considered benign. This variant is a silent/synonymous amino acid change and it is not expected to impact splicing.

NM_004329.3(BMPR1A):c.390T>C (p.Cys130=)

Gene: BMPR1A (bone morphogenetic protein receptor type 1A; plus strand). Cytogenetic location: 10q23.2.
Variant type: single nucleotide variant.
Coding change: c.390T>C on transcript NM_004329.3 (MANE Select); coding-DNA position 390, T replaced by C.
Protein change: p.Cys130=; no amino-acid change (cysteine 130 retained).
Molecular consequence: synonymous variant. On other transcripts: non-coding transcript variant (3), intron variant (1).
Genome position (GRCh38, 1-based): chr10:86,899,850, T>C. VCF-style: chr10-86899850-T-C. GRCh37 (hg19) VCF-style: chr10-88659607-T-C.
Other names: c.390T>C, p.Cys130= (NM_001406559.1, NM_001406560.1, NM_001406561.1 and 22 more transcripts); c.306T>C, p.Cys102= (NM_001406584.1, NM_001406585.1, NM_001406586.1 and 2 more transcripts); c.333+7621T>C (NM_001406589.1).
Identifiers: ClinVar variation 2120093 (VCV002120093.5), dbSNP rs2539490786, ClinGen allele CA470306569.